The following is an entry in ClinVar:

NM_020408.6(LYRM4):c.208-34942G>A

Genes: LYRM4 (LYR motif containing 4; minus strand), LYRM4-AS1 (LYRM4 antisense RNA 1; plus strand). Cytogenetic location: 6p25.1.
Variant type: single nucleotide variant.
Coding change: c.208-34942G>A on transcript NM_020408.6 (MANE Select); 34942 bases into the intron before coding-DNA position 208, G replaced by A.
Molecular consequence: intron variant.
Genome position (GRCh38, 1-based): chr6:5,144,433, C>T on the plus strand (G>A on the coding strand, the complement: LYRM4 is on the minus strand). VCF-style: chr6-5144433-C-T. GRCh37 (hg19) VCF-style: chr6-5144667-C-T.
Other names: c.207+72185G>A (NM_001318783.1); c.208-171G>A (NM_001164841.3); c.208-5694G>A (NM_001318782.1).
Identifiers: ClinVar variation 680630 (VCV000680630.1), dbSNP rs200864, ClinGen allele CA12364619.

ClinVar aggregate classification (germline): Benign (1 of 4 stars; one submission).

Allele frequency attached by ClinVar (database versions not stated): TOPMed 0.57323; gnomAD 0.57965 and 0.59041; 1000 Genomes Project 30x 0.64007; 1000 Genomes Project 0.64736.
gnomAD v4.1: 89,619 of 151,554 alleles (59%); highest among the groups gnomAD compares: East Asian, 92%; 27,532 homozygotes.

Submission:

GeneDx
Classification: Benign. Last evaluated: 2018-06-14. Review status: criteria provided, single submitter. Criteria: GeneDx Variant Classification (06012015). Collection method: clinical testing. Allele origin: germline. Affected: yes.
Comment: This variant is considered likely benign or benign based on one or more of the following criteria: it is a conservative change, it occurs at a poorly conserved position in the protein, it is predicted to be benign by multiple in silico algorithms, and/or has population frequency not consistent with disease.